The following is an entry in ClinVar:

NM_001371727.1(GABRB2):c.1256A>T (p.Glu419Val)

Gene: GABRB2 (gamma-aminobutyric acid type A receptor subunit beta2; minus strand). Cytogenetic location: 5q34.
Variant type: single nucleotide variant.
Coding change: c.1256A>T on transcript NM_001371727.1 (MANE Select); coding-DNA position 1256, A replaced by T.
Protein change: p.Glu419Val; replaces glutamic acid 419 with valine.
Molecular consequence: missense variant.
Genome position (GRCh38, 1-based): chr5:161,294,364, T>A on the plus strand (A>T on the coding strand, the complement: GABRB2 is on the minus strand). VCF-style: chr5-161294364-T-A. GRCh37 (hg19) VCF-style: chr5-160721371-T-A.
Other names: c.1142A>T, p.Glu381Val (NM_000813.3); c.1256A>T, p.Glu419Val (NM_021911.3); short protein forms E381V, E419V.
Identifiers: ClinVar variation 972405 (VCV000972405.10), dbSNP rs1757322902, ClinGen allele CA362173527.

ClinVar aggregate classification (germline): Uncertain significance (1 of 4 stars; one submission).

Conditions:
Intellectual disability. Also called: intellectual disabilities; Intellectual developmental disorder; Intellectual functioning disability. Identifiers: MedGen C3714756, MeSH D008607, MONDO:0001071, HP:0001249.

Submission:

Labcorp Genetics (formerly Invitae), Labcorp
Classification: Uncertain significance for Intellectual disability. Last evaluated: 2019-10-09. Review status: criteria provided, single submitter. Criteria: Invitae Variant Classification Sherloc (09022015). Collection method: clinical testing. Allele origin: germline.
Comment: In summary, the available evidence is currently insufficient to determine the role of this variant in disease. Therefore, it has been classified as a Variant of Uncertain Significance. Algorithms developed to predict the effect of missense changes on protein structure and function (SIFT, PolyPhen-2, Align-GVGD) all suggest that this variant is likely to be disruptive, but these predictions have not been confirmed by published functional studies and their clinical significance is uncertain. This variant has not been reported in the literature in individuals with GABRB2-related conditions. This variant is not present in population databases (ExAC no frequency). This sequence change replaces glutamic acid with valine at codon 419 of the GABRB2 protein (p.Glu419Val). The glutamic acid residue is highly conserved and there is a moderate physicochemical difference between glutamic acid and valine.